The following is an entry in ClinVar:

NM_198578.4(LRRK2):c.358A>C (p.Lys120Gln)

Gene: LRRK2 (leucine rich repeat kinase 2; plus strand). Cytogenetic location: 12q12.
Variant type: single nucleotide variant.
Coding change: c.358A>C on transcript NM_198578.4 (MANE Select); coding-DNA position 358, A replaced by C.
Protein change: p.Lys120Gln; replaces lysine 120 with glutamine.
Molecular consequence: missense variant.
Genome position (GRCh38, 1-based): chr12:40,235,636, A>C. VCF-style: chr12-40235636-A-C. GRCh37 (hg19) VCF-style: chr12-40629438-A-C.
Other names: short protein forms K120Q.
Identifiers: ClinVar variation 3229620 (VCV003229620.1), dbSNP rs2499402833, ClinGen allele CA384402639.

ClinVar aggregate classification (germline): Uncertain significance (1 of 4 stars; one submission).

Conditions:
Inborn genetic diseases. Identifiers: MedGen C0950123, MeSH D030342.

Submission:

Ambry Genetics
Classification: Uncertain significance for Inborn genetic diseases. Last evaluated: 2023-09-23. Review status: criteria provided, single submitter. Criteria: Ambry Variant Classification Scheme 2023. Collection method: clinical testing. Allele origin: germline.
Comment: The p.K120Q variant (also known as c.358A>C), located in coding exon 4 of the LRRK2 gene, results from an A to C substitution at nucleotide position 358. The lysine at codon 120 is replaced by glutamine, an amino acid with similar properties. This amino acid position is conserved. In addition, this alteration is predicted to be tolerated by in silico analysis. Since supporting evidence is limited at this time, the clinical significance of this alteration remains unclear.